The following is an entry in ClinVar:

NM_022114.4(PRDM16):c.1032+285G>A

Gene: PRDM16 (PR/SET domain 16; plus strand). Cytogenetic location: 1p36.32.
Variant type: single nucleotide variant.
Coding change: c.1032+285G>A on transcript NM_022114.4 (MANE Select); 285 bases into the intron after coding-DNA position 1032, G replaced by A.
Molecular consequence: intron variant.
Genome position (GRCh38, 1-based): chr1:3,405,171, G>A. VCF-style: chr1-3405171-G-A. GRCh37 (hg19) VCF-style: chr1-3321735-G-A.
Other names: c.1032+285G>A (NM_199454.3).
Identifiers: ClinVar variation 669916 (VCV000669916.1), dbSNP rs139620466, ClinGen allele CA17019110.

ClinVar aggregate classification (germline): Likely benign (1 of 4 stars; one submission).

Allele frequency attached by ClinVar (database versions not stated): 1000 Genomes Project 30x 0.01265; 1000 Genomes Project 0.01438; TOPMed 0.02016; gnomAD 0.02028 and 0.02054.
gnomAD v4.1: 3,146 of 152,254 alleles (2.1%); highest among the groups gnomAD compares: Middle Eastern, 5.1%; 47 homozygotes.

Submission:

GeneDx
Classification: Likely benign. Last evaluated: 2018-06-14. Review status: criteria provided, single submitter. Criteria: GeneDx Variant Classification (06012015). Collection method: clinical testing. Allele origin: germline. Affected: yes.
Comment: This variant is considered likely benign or benign based on one or more of the following criteria: it is a conservative change, it occurs at a poorly conserved position in the protein, it is predicted to be benign by multiple in silico algorithms, and/or has population frequency not consistent with disease.